The following is an entry in ClinVar:

NC_000005.9:g.(52954455_52978947)_(52979169_?)dup

Gene: NDUFS4 (NADH:ubiquinone oxidoreductase subunit S4; plus strand). Cytogenetic location: 5q11.2.
Variant type: Duplication.
Identifiers: ClinVar variation 2691338 (VCV002691338.1).

ClinVar aggregate classification (germline): Uncertain significance (1 of 4 stars; one submission).

Submission:

Women's Health and Genetics/Laboratory Corporation of America, LabCorp
Classification: Uncertain significance. Last evaluated: 2023-12-19. Review status: criteria provided, single submitter. Criteria: LabCorp Variant Classification Summary - May 2015. Collection method: clinical testing. Allele origin: germline.
Comment: Variant summary: The variant involves the duplication of exon 5 (i.e. the last exon) in the NDUFS4 gene. A presumed nomenclature of c.(424+1_425-1)_(*118_?)dup has been designated for the purposes of this classification. The exact breakpoint at the 3' end of this variant is unknown, therefore this duplication may extend downstream of the annotated region of the gene. As it duplicates the termination codon, its effect on the encoded protein is unknown. The variant allele was found at a frequency of 1.6e-05 in 125174 control chromosomes in the gnomAD database (Structural Variants v4.0 dataset). The available data on variant occurrences in the general population are insufficient to allow any conclusion about variant significance. To our knowledge, no occurrence of c.(424+1_425-1)_(*118_?)dup in individuals affected with Leigh Syndrome and no experimental evidence demonstrating its impact on protein function have been reported. No submitters have cited clinical-significance assessments for this variant to ClinVar after 2014. Based on the evidence outlined above, the variant was classified as uncertain significance.